The following is an entry in ClinVar:

NM_000127.3(EXT1):c.419G>A (p.Gly140Asp)

Gene: EXT1 (exostosin glycosyltransferase 1; minus strand). Cytogenetic location: 8q24.11.
Variant type: single nucleotide variant.
Coding change: c.419G>A on transcript NM_000127.3 (MANE Select); coding-DNA position 419, G replaced by A.
Protein change: p.Gly140Asp; replaces glycine 140 with aspartic acid.
Molecular consequence: missense variant.
Genome position (GRCh38, 1-based): chr8:118,110,628, C>T on the plus strand (G>A on the coding strand, the complement: EXT1 is on the minus strand). VCF-style: chr8-118110628-C-T. GRCh37 (hg19) VCF-style: chr8-119122867-C-T.
Other names: short protein forms G140D.
Identifiers: ClinVar variation 1910620 (VCV001910620.5), dbSNP rs769557488, ClinGen allele CA371915890.

ClinVar aggregate classification (germline): Uncertain significance (1 of 4 stars; one submission).

Conditions:
Multiple congenital exostosis (EXT). Also called: Multiple osteochondromas; Hereditary multiple osteochondromas; Hereditary multiple exostoses; Hereditary multiple exostosis; MULTIPLE CARTILAGINOUS EXOSTOSES; Multiple exostoses. Identifiers: Orphanet 321, MedGen C0015306, MONDO:0005508, HP:0002762.

Submission:

Labcorp Genetics (formerly Invitae), Labcorp
Classification: Uncertain significance for Multiple congenital exostosis. Last evaluated: 2025-09-02. Review status: criteria provided, single submitter. Criteria: Invitae Variant Classification Sherloc (09022015). Collection method: clinical testing. Allele origin: germline.
Comment: This sequence change replaces glycine, which is neutral and non-polar, with aspartic acid, which is acidic and polar, at codon 140 of the EXT1 protein (p.Gly140Asp). This variant is not present in population databases (gnomAD no frequency). This variant has not been reported in the literature in individuals affected with EXT1-related conditions. ClinVar contains an entry for this variant (Variation ID: 1910620). Invitae Evidence Modeling of protein sequence and biophysical properties (such as structural, functional, and spatial information, amino acid conservation, physicochemical variation, residue mobility, and thermodynamic stability) indicates that this missense variant is not expected to disrupt EXT1 protein function with a negative predictive value of 80%. In summary, the available evidence is currently insufficient to determine the role of this variant in disease. Therefore, it has been classified as a Variant of Uncertain Significance.